The following continues an entry in ClinVar:

NM_138694.4(PKHD1):c.107C>T (p.Thr36Met)

Gene: PKHD1. ClinVar aggregate classification (germline): Pathogenic/Likely pathogenic. Pathogenic (44); Likely pathogenic (3).

Submissions 31 to 49 of 61:

GeneDx
Classification: Pathogenic. Last evaluated: 2020-01-10. Review status: criteria provided, single submitter. Criteria: GeneDx Variant Classification Process June 2021. Collection method: clinical testing. Allele origin: germline. Affected: yes.
Comment: T63M has been described as a founder mutation that constitutes every fifth PKHD1 variant and may represent a mutational hotspot in the PKHD1 gene (Bergmann et al., 2005); In silico analysis, which includes protein predictors and evolutionary conservation, supports a deleterious effect; This variant is associated with the following publications: (PMID: 19914852, 15108277, 11898128, 26695994, 20490649, 27225849, 21274727, 11919560, 20413436, 12846734, 15805161, 16523049, 16133180, 20575693, 18503009, 23582048, 12506140, 27752906, 26721323, 28753889, 15706593, 15698423, 28375157, 30773290, 30650191, 31844813, 32799815, 31980526, 32574212, 31589614, 33258288, 32359821)

Myriad Genetics, Inc.
Classification: Pathogenic for Polycystic kidney disease 4. Last evaluated: 2019-10-18. Review status: criteria provided, single submitter. Criteria: Myriad Women's Health Autosomal Recessive and X-Linked Classification Criteria (2019). Collection method: clinical testing. Allele origin: unknown.
Comment: NM_138694.3(PKHD1):c.107C>T(T36M) is classified as pathogenic in the context of autosomal recessive polycystic kidney disease, PKHD1-related. Sources cited for classification include the following: PMID 12506140, 16133180, 12846734 and 19914852. Classification of NM_138694.3(PKHD1):c.107C>T(T36M) is based on the following criteria: This is a well-established pathogenic variant in the literature that has been observed more frequently in patients with clinical diagnoses than in healthy populations. Please note: this variant was assessed in the context of healthy population screening.

Cambridge Genomics Laboratory, East Genomic Laboratory Hub, NHS Genomic Medicine Service
Classification: Pathogenic for Renal cyst. Last evaluated: 2019-05-02. Review status: criteria provided, single submitter. Criteria: ACGS Best Practice Guidelines for Variant Classification in Rare Disease 2020. Collection method: clinical testing. Allele origin: germline. Affected: yes. Observed: 1 variant allele.

Molecular Genetics of Inherited Kidney Disorders Laboratory, Garvan Institute of Medical Research
Classification: Pathogenic. Last evaluated: 2019-01-01. Review status: criteria provided, single submitter. Criteria: ACMG Guidelines, 2015. Collection method: clinical testing. Allele origin: germline. Affected: yes. Observed: 2 variant alleles.

Illumina Laboratory Services, Illumina
Classification: Pathogenic for Polycystic kidney disease 4. Last evaluated: 2018-09-19. Review status: criteria provided, single submitter. Criteria: ICSL Variant Classification Criteria 09 May 2019. Collection method: clinical testing. Allele origin: germline.
Comment: Across a selection of the available literature, the PKHD1 c.107C>T (p.Thr36Met) missense variant has been observed in a total of 81 individuals with autosomal recessive polycystic kidney disease, including in eight in a homozygous state (of whom two were siblings), in 42 in a compound heterozygous state, and in 37 in a heterozygous state (Ward et al. 2002; Bergmann et al. 2003; Furu et al. 2003; Sharp et al. 2005; Gunay-Aygun et al. 2010; Liu et al. 2014; Obeidova et al. 2015). Haplotype analysis studies indicate that the p.Thr36Met variant occurs in a mutational hotspot (Bergmann et al. 2004), and suggest that the variant may have a single European origin (Consugar et al. 2005). This variant was absent from 510 controls but is reported at a frequency of 0.000932 in the European (non-Finnish) population of the Genome Aggregation Database. Based on the collective evidence, the p.Thr36Met variant is classified as pathogenic for autosomal recessive polycystic kidney disease. This variant was observed by ICSL as part of a predisposition screen in an ostensibly healthy population.

Institute of Human Genetics Munich, TUM University Hospital
Classification: Pathogenic for Polycystic kidney disease 4. Last evaluated: 2018-04-23. Review status: criteria provided, single submitter. Criteria: Classification criteria August 2017. Collection method: clinical testing. Allele origin: maternal. Inheritance: Autosomal recessive inheritance. Affected: yes. Observed: 1 compound heterozygote.

Department of Genetics, Sultan Qaboos University Hospital
Classification: Pathogenic for Polycystic kidney disease 4. Last evaluated: 2017-12-30. Review status: criteria provided, single submitter. Criteria: ACMG Guidelines, 2015. Collection method: clinical testing. Allele origin: unknown. Affected: yes.

Women's Health and Genetics/Laboratory Corporation of America, LabCorp
Classification: Pathogenic for Autosomal recessive polycystic kidney disease. Last evaluated: 2017-04-13. Review status: criteria provided, single submitter. Criteria: LabCorp Variant Classification Summary - May 2015. Collection method: clinical testing. Allele origin: germline.
Comment: Variant summary: The PKHD1 c.107C>T (p.Thr36Met) variant involves the alteration of a conserved nucleotide. 4/4 in silico tools predict a damaging outcome for this variant. This variant was found in 78/128548 control chromosomes at a frequency of 0.0006068, which does not exceed the estimated maximal expected allele frequency of a pathogenic PKHD1 variant (0.0070711). This variant has been reported in many ARPKD patients both as compound heterozygotes and homozygotes. In addition, multiple clinical diagnostic laboratories/reputable databases classified this variant as pathogenic. One study of European cohorts detected more variant carriers in controls than in CRC patients, indicating a possibly protective role of variant against CRC (Ward_2011). Taken together, this variant is classified as pathogenic for ARPKD.

Eurofins Ntd Llc (ga)
Classification: Pathogenic. Last evaluated: 2017-02-20. Review status: criteria provided, single submitter. Criteria: EGL Classification Definitions. Collection method: clinical testing. Allele origin: germline. Observed: 15 variant alleles, 14 heterozygotes, 1 homozygote.

Centre for Mendelian Genomics, University Medical Centre Ljubljana
Classification: Pathogenic for Polycystic kidney disease. Last evaluated: 2017-01-01. Review status: criteria provided, single submitter. Criteria: ACMG Guidelines, 2015. Collection method: clinical testing. Allele origin: unknown. Affected: yes.

Center for Pediatric Genomic Medicine, Children's Mercy Hospital and Clinics
Classification: Pathogenic. Last evaluated: 2015-12-21. Review status: criteria provided, single submitter. Criteria: ACMG Guidelines, 2015. Collection method: clinical testing. Allele origin: germline.

Centre for Mendelian Genomics, University Medical Centre Ljubljana
Classification: Pathogenic for Oligohydramnios; Periportal fibrosis; Polycystic kidney disease. Last evaluated: 2014-03-13. Review status: criteria provided, single submitter. Criteria: ACMG Guidelines, 2015. Collection method: clinical testing. Allele origin: unknown. Affected: yes.

Baylor Genetics
Classification: Pathogenic for Polycystic kidney disease 4. Review status: criteria provided, single submitter. Criteria: ACMG Guidelines, 2015. Collection method: clinical testing. Allele origin: germline.

Clinical Genetics Service, Universitary Hospital 12 de Octubre
Classification: Pathogenic for Polycystic kidney disease 4. Review status: criteria provided, single submitter. Criteria: ACMG Guidelines, 2015. Collection method: clinical testing. Allele origin: germline. Affected: yes.

Diagnostics Division, CENTRE FOR DNA FINGERPRINTING AND DIAGNOSTICS
Classification: Pathogenic for Polycystic kidney disease 4. Review status: criteria provided, single submitter. Criteria: ACMG Guidelines, 2015. Collection method: research. Allele origin: germline. Inheritance: Autosomal recessive inheritance. Affected: yes. Observed: 1 homozygote.

Juno Genomics, Hangzhou Juno Genomics, Inc
Classification: Pathogenic for Polycystic kidney disease 4. Review status: criteria provided, single submitter. Criteria: ACMG Guidelines, 2015. Collection method: clinical testing. Allele origin: germline. Affected: yes.
Comment: Absent from controls (or at extremely low frequency if recessive) in Genome Aggregation Database, Exome Sequencing Project, 1000 Genomes Project, or Exome Aggregation Consortium.;Multiple lines of computational evidence support a deleterious effect on the gene or gene product (conservation, evolutionary, splicing impact, etc).;For recessive disorders, detected in trans with a pathogenic variant.

Neuberg Centre For Genomic Medicine, NCGM
Classification: Pathogenic for Polycystic kidney disease 4. Review status: criteria provided, single submitter. Criteria: ACMG Guidelines, 2015. Collection method: clinical testing. Allele origin: germline. Inheritance: Autosomal recessive inheritance. Affected: yes.
Comment: The missense c.107C>T (p.Thr36Met) variant in PKHD1 gene has been reported in heterozygous and homozygous state in individuals affected with autosomal recessive polycystic kidney disease (Ward, Christopher J et al.,2002; Furu, Laszlo et al.,2004). The variant is a well known hotspot and has been previously described as pathogenic, segregating with disease in multiple families with ARPKD (Bergmann, C. et al., 2004). The variant is reported with the allele frequency 0.05% in the gnomAD and 0.01% in 1000 genome database. It has been submitted to ClinVar with varying interpretations: Pathogenic / Likely Pathogenic. The amino acid Thr at position 36 is changed to a Met changing protein sequence and it might alter its composition and physico-chemical properties. The variant is predicted to be damaging by both SIFT and PolyPhen2. The residue is conserved across species. The amino acid change p.Thr36Met in PKHD1 is predicted as conserved by GERP++ and PhyloP across 100 vertebrates. For these reasons, this variant has been classified as Pathogenic.

PreventionGenetics, part of Exact Sciences
Classification: Pathogenic for PKHD1-related condition. Last evaluated: 2024-09-04. Review status: no assertion criteria provided. Collection method: clinical testing. Allele origin: germline. Not counted in ClinVar's aggregate classification.
Comment: The PKHD1 c.107C>T variant is predicted to result in the amino acid substitution p.Thr36Met. This variant has been repeatedly reported to be pathogenic for autosomal recessive polycystic kidney disease (ARPKD) in unrelated patients of different ethnic origin (see for example, Ward et al. 2002. PubMed ID: 11919560; Bergmann et al. 2003. PubMed ID: 12506140; Obeidova et al. 2020. PubMed ID: 32574212). This variant is reported in 0.093% of alleles in individuals of European (Non-Finnish) descent in gnomAD. This variant is interpreted as pathogenic.

Laboratory of Gastroenterology and Hepatology, Radboud University Medical Center
Classification: Likely pathogenic for Autosomal dominant polycystic liver disease. Last evaluated: 2021-09-01. Review status: no assertion criteria provided. Collection method: research. Allele origin: germline. Affected: yes. Not counted in ClinVar's aggregate classification.